The following is an entry in ClinVar:

NM_006415.4(SPTLC1):c.1015G>T (p.Ala339Ser)

Gene: SPTLC1 (serine palmitoyltransferase long chain base subunit 1; minus strand). Cytogenetic location: 9q22.31.
Variant type: single nucleotide variant.
Coding change: c.1015G>T on transcript NM_006415.4 (MANE Select); coding-DNA position 1015, G replaced by T.
Protein change: p.Ala339Ser; replaces alanine 339 with serine.
Molecular consequence: missense variant.
Genome position (GRCh38, 1-based): chr9:92,047,238, C>A on the plus strand (G>T on the coding strand, the complement: SPTLC1 is on the minus strand). VCF-style: chr9-92047238-C-A. GRCh37 (hg19) VCF-style: chr9-94809520-C-A.
Other names: c.1015G>T, p.Ala339Ser (NM_001281303.2); c.649G>T, p.Ala217Ser (NM_001368272.1); c.550G>T, p.Ala184Ser (NM_001368273.1); short protein forms A339S, A184S, A217S.
Identifiers: ClinVar variation 456600 (VCV000456600.7), dbSNP rs1554706429, ClinGen allele CA373792546.

ClinVar aggregate classification (germline): Pathogenic (1 of 4 stars; one submission).

Conditions:
Hereditary sensory and autonomic neuropathy type 1 (HSAN1). Also called: HSAN 1; Hereditary Sensory Neuropathy Type I; HSN Type I. Identifiers: Orphanet 36386, MedGen C0020071, MONDO:0018213.

Submission:

Labcorp Genetics (formerly Invitae), Labcorp
Classification: Pathogenic for Hereditary sensory and autonomic neuropathy type 1. Last evaluated: 2025-06-22. Review status: criteria provided, single submitter. Criteria: Invitae Variant Classification Sherloc (09022015). Collection method: clinical testing. Allele origin: germline.
Comment: This sequence change replaces alanine, which is neutral and non-polar, with serine, which is neutral and polar, at codon 339 of the SPTLC1 protein (p.Ala339Ser). This variant is not present in population databases (gnomAD no frequency). This missense change has been observed in individual(s) with Charcot-Marie-Tooth disease (internal data). It has also been observed to segregate with disease in related individuals. ClinVar contains an entry for this variant (Variation ID: 456600). Invitae Evidence Modeling of protein sequence and biophysical properties (such as structural, functional, and spatial information, amino acid conservation, physicochemical variation, residue mobility, and thermodynamic stability) indicates that this missense variant is expected to disrupt SPTLC1 protein function with a positive predictive value of 80%. For these reasons, this variant has been classified as Pathogenic.